The following is an entry in ClinVar:

NM_007294.4(BRCA1):c.3635C>G (p.Ser1212Ter)

Genes: BRCA1 (BRCA1 DNA repair associated; minus strand), LOC126862571 (BRD4-independent group 4 enhancer GRCh37_chr17:41243136-41244335; plus strand). Cytogenetic location: 17q21.31.
Variant type: single nucleotide variant.
Coding change: c.3635C>G on transcript NM_007294.4 (MANE Select); coding-DNA position 3635, C replaced by G.
Protein change: p.Ser1212Ter; replaces serine 1212 with a stop codon.
Molecular consequence: nonsense. On other transcripts: intron variant (135).
Genome position (GRCh38, 1-based): chr17:43,091,896, G>C on the plus strand (C>G on the coding strand, the complement: BRCA1 is on the minus strand). VCF-style: chr17-43091896-G-C. GRCh37 (hg19) VCF-style: chr17-41243913-G-C.
Other names: c.3422C>G, p.Ser1141Ter (NM_001407571.1, NM_001407853.1, NM_001407894.1 and 9 more transcripts); c.3635C>G, p.Ser1212Ter (NM_001407581.1, NM_001407582.1, NM_001407583.1 and 30 more transcripts); c.3632C>G, p.Ser1211Ter (NM_001407587.1, NM_001407610.1, NM_001407611.1 and 22 more transcripts); c.3626C>G, p.Ser1209Ter (NM_001407646.1, NM_001407647.1); c.3512C>G, p.Ser1171Ter (NM_001407648.1, NM_001407664.1, NM_001407665.1 and 19 more transcripts); c.3509C>G, p.Ser1170Ter (NM_001407649.1, NM_001407670.1, NM_001407671.1 and 11 more transcripts); c.3557C>G, p.Ser1186Ter (NM_001407653.1, NM_001407654.1, NM_001407655.1 and 4 more transcripts); c.3554C>G, p.Ser1185Ter (NM_001407659.1, NM_001407660.1, NM_001407661.1 and 1 more transcripts); and 41 more; short protein forms S1212*, S1165*, S1084*, S1100*, S1101*, S1211*, S344*, S1170*.
Identifiers: ClinVar variation 254438 (VCV000254438.11), dbSNP rs886038021, ClinGen allele CA10586622.

ClinVar aggregate classification (germline): Pathogenic. Review status: reviewed by expert panel (3 of 4 stars). 2 submissions from 2 submitters: Pathogenic (1). 1 of the submissions does not count toward it. Last evaluated 2016-09-08.

Conditions:
Hereditary breast ovarian cancer syndrome. Also called: Hereditary breast and ovarian cancer syndrome (HBOC); Breast and ovarian cancer; Hereditary breast and ovarian cancer syndrome; Hereditary breast and ovarian cancer; BRCA1- and BRCA2-Associated Hereditary Breast and Ovarian Cancer; Hereditary breast and/or ovarian cancer syndrome. Identifiers: Orphanet 145, MedGen C0677776, MeSH D061325, MONDO:0003582. Disease mechanism: loss of function.
Breast-ovarian cancer, familial, susceptibility to, 1 (BROVCA1). Also called: BRCA1 Hereditary Breast and Ovarian Cancer; OVARIAN CANCER, SUSCEPTIBILITY TO. Identifiers: Orphanet 145, MedGen C2676676, MONDO:0011450, OMIM 604370. Disease mechanism: loss of function.

Submissions (2):

Evidence-based Network for the Interpretation of Germline Mutant Alleles (ENIGMA)
Classification: Pathogenic for Breast-ovarian cancer, familial, susceptibility to, 1. Last evaluated: 2016-09-08. Review status: reviewed by expert panel. Criteria: ENIGMA BRCA1/2 Classification Criteria (2015). Collection method: curation. Allele origin: germline.
Comment: Variant allele predicted to encode a truncated non-functional protein.

Labcorp Genetics (formerly Invitae), Labcorp
Classification: Pathogenic for Hereditary breast ovarian cancer syndrome. Last evaluated: 2022-01-27. Review status: criteria provided, single submitter. Criteria: Invitae Variant Classification Sherloc (09022015). Collection method: clinical testing. Allele origin: germline. Not counted in ClinVar's aggregate classification.
Comment: For these reasons, this variant has been classified as Pathogenic. ClinVar contains an entry for this variant (Variation ID: 254438). This premature translational stop signal has been observed in individual(s) with clinical features of BRCA1-related conditions (PMID: 21520333, 25428789). This variant is not present in population databases (gnomAD no frequency). This sequence change creates a premature translational stop signal (p.Ser1212*) in the BRCA1 gene. It is expected to result in an absent or disrupted protein product. Loss-of-function variants in BRCA1 are known to be pathogenic (PMID: 20104584).

Literature cited by the submitters: PubMed 21520333 (cited by Labcorp Genetics (formerly Invitae), Labcorp); PubMed 25428789 (cited by Labcorp Genetics (formerly Invitae), Labcorp); PubMed 20104584 (cited by Labcorp Genetics (formerly Invitae), Labcorp).